The following is an entry in ClinVar:

ClinVar aggregate classification (germline): Uncertain significance (1 of 4 stars; one submission).

Allele frequency attached by ClinVar (database versions not stated): gnomAD exomes below 0.00001; gnomAD 0.00001; TOPMed 0.00001.

Submission:

Labcorp Genetics (formerly Invitae), Labcorp
Classification: Uncertain significance. Last evaluated: 2024-07-15. Review status: criteria provided, single submitter. Criteria: Invitae Variant Classification Sherloc (09022015). Collection method: clinical testing. Allele origin: germline.
Comment: This sequence change replaces glutamine, which is neutral and polar, with arginine, which is basic and polar, at codon 825 of the DENND5A protein (p.Gln825Arg). This variant is present in population databases (rs748495538, gnomAD 0.01%). This variant has not been reported in the literature in individuals affected with DENND5A-related conditions. ClinVar contains an entry for this variant (Variation ID: 2123482). Advanced modeling of protein sequence and biophysical properties (such as structural, functional, and spatial information, amino acid conservation, physicochemical variation, residue mobility, and thermodynamic stability) performed at Invitae indicates that this missense variant is not expected to disrupt DENND5A protein function with a negative predictive value of 80%. In summary, the available evidence is currently insufficient to determine the role of this variant in disease. Therefore, it has been classified as a Variant of Uncertain Significance.

NM_015213.4(DENND5A):c.2474A>G (p.Gln825Arg)

Gene: DENND5A (DENN domain containing 5A; minus strand). Cytogenetic location: 11p15.4.
Variant type: single nucleotide variant.
Coding change: c.2474A>G on transcript NM_015213.4 (MANE Select); coding-DNA position 2474, A replaced by G.
Protein change: p.Gln825Arg; replaces glutamine 825 with arginine.
Molecular consequence: missense variant. On other transcripts: non-coding transcript variant (1).
Genome position (GRCh38, 1-based): chr11:9,152,405, T>C on the plus strand (A>G on the coding strand, the complement: DENND5A is on the minus strand). VCF-style: chr11-9152405-T-C. GRCh37 (hg19) VCF-style: chr11-9173952-T-C.
Other names: c.2474A>G, p.Gln825Arg (NM_001243254.2, NM_001348748.1); c.2402A>G, p.Gln801Arg (NM_001348749.2); c.2186A>G, p.Gln729Arg (NM_001348750.2); short protein forms Q729R, Q825R, Q801R.
Identifiers: ClinVar variation 2123482 (VCV002123482.4), dbSNP rs748495538, ClinGen allele CA217544585.